The following is an entry in ClinVar:

NM_007289.4(MME):c.1502_1503insTG (p.Tyr502fs)

Gene: MME (membrane metalloendopeptidase; plus strand). Cytogenetic location: 3q25.2.
Variant type: Insertion.
Coding change: c.1502_1503insTG on transcript NM_007289.4 (MANE Select); coding-DNA positions 1502 to 1503, TG inserted.
Protein change: p.Tyr502fs; shifts the reading frame from tyrosine 502.
Molecular consequence: frameshift variant.
Genome position: GRCh38 VCF-style: chr3-155148554-A-ATG. GRCh37 (hg19) VCF-style: chr3-154866343-A-ATG.
Other names: c.1502_1503insTG, p.Tyr502fs (NM_000902.5, NM_001354642.2, NM_001354643.1 and 2 more transcripts); short protein forms Y502fs.
Identifiers: ClinVar variation 1423022 (VCV001423022.6), dbSNP rs2108325656, ClinGen allele CA2573136631.
Genomic context (GRCh38, chr3:155,148,554, plus strand): 5'-AAAATTTAGAAGATACCGGTTTTAATATTTCTTCCCAAATCTTCTTTATAATACAGTTGA[A>ATG]CTACAAAGAAGATGAATACTTCGAGAACATAATTCAAAATTTGAAATTCAGCCAAAGTAA-3'

ClinVar aggregate classification (germline): Pathogenic (1 of 4 stars; one submission).

Allele frequency attached by ClinVar (database versions not stated): gnomAD exomes below 0.00001.

Submission:

Labcorp Genetics (formerly Invitae), Labcorp
Classification: Pathogenic. Last evaluated: 2021-10-27. Review status: criteria provided, single submitter. Criteria: Invitae Variant Classification Sherloc (09022015). Collection method: clinical testing. Allele origin: germline.
Comment: This variant is not present in population databases (gnomAD no frequency). For these reasons, this variant has been classified as Pathogenic. This variant has not been reported in the literature in individuals affected with MME-related conditions. This sequence change creates a premature translational stop signal (p.Tyr502Alafs*11) in the MME gene. It is expected to result in an absent or disrupted protein product. Loss-of-function variants in MME are known to be pathogenic (PMID: 26991897).

Literature cited by the submitters: PubMed 26991897.